The following is an entry in ClinVar:

ClinVar aggregate classification (germline): Uncertain significance (1 of 4 stars; one submission).

Allele frequency attached by ClinVar (database versions not stated): gnomAD 0.00001; gnomAD exomes 0.00001; TOPMed 0.00001; ExAC 0.00002; ESP Exome Variant Server 0.00008.
gnomAD v4.1: 31 of 1,613,368 alleles (0.0019%); highest among the groups gnomAD compares: Non-Finnish European, 0.0025%; no homozygotes.

Submission:

Labcorp Genetics (formerly Invitae), Labcorp
Classification: Uncertain significance. Last evaluated: 2022-04-04. Review status: criteria provided, single submitter. Criteria: Invitae Variant Classification Sherloc (09022015). Collection method: clinical testing. Allele origin: germline.
Comment: This sequence change replaces aspartic acid, which is acidic and polar, with asparagine, which is neutral and polar, at codon 328 of the PLAA protein (p.Asp328Asn). This variant is present in population databases (rs374536712, gnomAD 0.004%). This variant has not been reported in the literature in individuals affected with PLAA-related conditions. Algorithms developed to predict the effect of missense changes on protein structure and function are either unavailable or do not agree on the potential impact of this missense change (SIFT: "Tolerated"; PolyPhen-2: "Possibly Damaging"; Align-GVGD: "Class C0"). In summary, the available evidence is currently insufficient to determine the role of this variant in disease. Therefore, it has been classified as a Variant of Uncertain Significance.

NM_001031689.3(PLAA):c.982G>A (p.Asp328Asn)

Gene: PLAA (phospholipase A2 activating protein; minus strand). Cytogenetic location: 9p21.2.
Variant type: single nucleotide variant.
Coding change: c.982G>A on transcript NM_001031689.3 (MANE Select); coding-DNA position 982, G replaced by A.
Protein change: p.Asp328Asn; replaces aspartic acid 328 with asparagine.
Molecular consequence: missense variant.
Genome position (GRCh38, 1-based): chr9:26,923,235, C>T on the plus strand (G>A on the coding strand, the complement: PLAA is on the minus strand). VCF-style: chr9-26923235-C-T. GRCh37 (hg19) VCF-style: chr9-26923233-C-T.
Other names: c.982G>A, p.Asp328Asn (NM_001321546.2); short protein forms D328N.
Identifiers: ClinVar variation 1360208 (VCV001360208.3), dbSNP rs374536712, ClinGen allele CA5014496.